The following is an entry in ClinVar:

ClinVar aggregate classification (germline): Likely benign. Review status: criteria provided, multiple submitters, no conflicts (2 of 4 stars). 3 submissions from 3 submitters: Likely benign (2). 1 of the submissions does not count toward it. Last evaluated 2024-11-30.

Conditions:
GARS1-related disorder. Also called: GARS1-related condition.
Charcot-Marie-Tooth disease type 2. Also called: Charcot-Marie-Tooth type 2. Identifiers: Orphanet 64746, MedGen C0270914, MONDO:0018993.

Allele frequency attached by ClinVar (database versions not stated): gnomAD 0.00002; TOPMed 0.00002.
gnomAD v4.1: 13 of 1,614,018 alleles (0.00081%); highest among the groups gnomAD compares: Non-Finnish European, 0.0011%; no homozygotes.

Submissions (3):

Labcorp Genetics (formerly Invitae), Labcorp
Classification: Likely benign for Charcot-Marie-Tooth disease type 2. Last evaluated: 2024-11-30. Review status: criteria provided, single submitter. Criteria: Invitae Variant Classification Sherloc (09022015). Collection method: clinical testing. Allele origin: germline.

Athena Diagnostics
Classification: Likely benign. Last evaluated: 2023-10-10. Review status: criteria provided, single submitter. Criteria: Athena Diagnostics Criteria. Collection method: clinical testing. Allele origin: unknown.

PreventionGenetics, part of Exact Sciences
Classification: Likely benign for GARS1-related condition. Last evaluated: 2019-03-05. Review status: no assertion criteria provided. Collection method: clinical testing. Allele origin: germline. Not counted in ClinVar's aggregate classification.
Comment: This variant is classified as likely benign based on ACMG/AMP sequence variant interpretation guidelines (Richards et al. 2015 PMID: 25741868, with internal and published modifications).

NM_002047.4(GARS1):c.1581T>C (p.Ile527=)

Gene: GARS1 (glycyl-tRNA synthetase 1; plus strand). Cytogenetic location: 7p14.3.
Variant type: single nucleotide variant.
Coding change: c.1581T>C on transcript NM_002047.4 (MANE Select); coding-DNA position 1581, T replaced by C.
Protein change: p.Ile527=; no amino-acid change (isoleucine 527 retained).
Molecular consequence: synonymous variant.
Genome position (GRCh38, 1-based): chr7:30,622,430, T>C. VCF-style: chr7-30622430-T-C. GRCh37 (hg19) VCF-style: chr7-30662046-T-C.
Other names: c.1581T>C (NM_002047.3); c.1419T>C, p.Ile473= (NM_001316772.1).
Identifiers: ClinVar variation 696091 (VCV000696091.13), dbSNP rs960876782, ClinGen allele CA156055346.
Genomic context (GRCh38, chr7:30,622,430, plus strand): 5'-ATATAAGAAGGATGCAAAACTGGTGATGGAGTATCTTGCCATTTGTGATGAGTGCTACAT[T>C]ACAGAAATGGAGATGCTGCTGAATGAGAAAGGGTAAGATATCAGATGTTTACTCTTCCAT-3'
Protein context (NP_002038.2, residues 517-537): EYLAICDECY[Ile527=]TEMEMLLNEK